The following is an entry in ClinVar:

ClinVar aggregate classification (germline): Uncertain significance. Review status: criteria provided, multiple submitters, no conflicts (2 of 4 stars). 2 submissions from 2 submitters: Uncertain significance (2). Last evaluated 2024-09-24.

Conditions:
Cardiovascular phenotype. Identifiers: MedGen CN230736.

Allele frequency attached by ClinVar (database versions not stated): gnomAD exomes 0.00001; TOPMed 0.00005; gnomAD 0.00006 and 0.00008.
gnomAD v4.1: 17 of 1,613,752 alleles (0.0011%); highest among the groups gnomAD compares: African/African-American, 0.023%; no homozygotes.

Submissions (2):

GeneDx
Classification: Uncertain significance. Last evaluated: 2024-09-24. Review status: criteria provided, single submitter. Criteria: GeneDx Variant Classification Process June 2021. Collection method: clinical testing. Allele origin: germline. Affected: yes.
Comment: See Variant Classification Assertion Criteria.

Ambry Genetics
Classification: Uncertain significance for Cardiovascular phenotype. Last evaluated: 2019-09-26. Review status: criteria provided, single submitter. Criteria: Ambry Variant Classification Scheme 2023. Collection method: clinical testing. Allele origin: germline.
Comment: The p.I21178F variant (also known as c.63532A>T), located in coding exon 162 of the TTN gene, results from an A to T substitution at nucleotide position 63532. The isoleucine at codon 21178 is replaced by phenylalanine, an amino acid with highly similar properties. This amino acid position is well conserved in available vertebrate species. In addition, this alteration is predicted to be tolerated by in silico analysis. Since supporting evidence is limited at this time, the clinical significance of this alteration remains unclear.

NM_001267550.2(TTN):c.90727A>T (p.Ile30243Phe)

Genes: TTN (titin; minus strand), TTN-AS1 (TTN antisense RNA 1; plus strand). Cytogenetic location: 2q31.2.
Variant type: single nucleotide variant.
Coding change: c.90727A>T on transcript NM_001267550.2 (MANE Select); coding-DNA position 90727, A replaced by T.
Protein change: p.Ile30243Phe; replaces isoleucine 30243 with phenylalanine.
Molecular consequence: missense variant.
Genome position (GRCh38, 1-based): chr2:178,552,173, T>A on the plus strand (A>T on the coding strand, the complement: TTN is on the minus strand). VCF-style: chr2-178552173-T-A. GRCh37 (hg19) VCF-style: chr2-179416900-T-A.
Other names: c.85804A>T, p.Ile28602Phe (NM_001256850.1); c.63532A>T, p.Ile21178Phe (NM_003319.4); c.83023A>T, p.Ile27675Phe (NM_133378.4); c.63907A>T, p.Ile21303Phe (NM_133432.3); c.64108A>T, p.Ile21370Phe (NM_133437.4); c.90727A>T (NM_001267550.1); short protein forms I28602F, I30243F, I21303F, I21370F, I21178F, I27675F.
Identifiers: ClinVar variation 682410 (VCV000682410.4), dbSNP rs925184690, ClinGen allele CA60977514.